The following is an entry in ClinVar:

NM_002334.4(LRP4):c.1471C>T (p.Arg491Trp)

Gene: LRP4 (LDL receptor related protein 4; minus strand). Cytogenetic location: 11p11.2.
Variant type: single nucleotide variant.
Coding change: c.1471C>T on transcript NM_002334.4 (MANE Select); coding-DNA position 1471, C replaced by T.
Protein change: p.Arg491Trp; replaces arginine 491 with tryptophan.
Molecular consequence: missense variant.
Genome position (GRCh38, 1-based): chr11:46,894,658, G>A on the plus strand (C>T on the coding strand, the complement: LRP4 is on the minus strand). VCF-style: chr11-46894658-G-A. GRCh37 (hg19) VCF-style: chr11-46916209-G-A.
Other names: p.Arg491Trp; short protein forms R491W.
Identifiers: ClinVar variation 3868221 (VCV003868221.2).

ClinVar aggregate classification (germline): Uncertain significance. Review status: criteria provided, multiple submitters, no conflicts (2 of 4 stars). 2 submissions from 2 submitters: Uncertain significance (2). Last evaluated 2025-06-06.

Conditions:
Inborn genetic diseases. Identifiers: MedGen C0950123, MeSH D030342.

gnomAD v4.1: 31 of 1,614,080 alleles (0.0019%); highest among the groups gnomAD compares: Admixed American, 0.005%; no homozygotes.

Submissions (2):

Mayo Clinic Laboratories, Mayo Clinic
Classification: Uncertain significance. Last evaluated: 2025-06-06. Review status: criteria provided, single submitter. Criteria: ACMG Guidelines, 2015. Collection method: clinical testing. Allele origin: germline. Observed: 1 variant allele.
Comment: PP2, PP3_moderate, PM2_supporting

Ambry Genetics
Classification: Uncertain significance for Inborn genetic diseases. Last evaluated: 2025-01-21. Review status: criteria provided, single submitter. Criteria: Ambry Variant Classification Scheme 2023. Collection method: clinical testing. Allele origin: germline.